The following is an entry in ClinVar:

ClinVar aggregate classification (germline): Conflicting classifications of pathogenicity. Review status: criteria provided, conflicting classifications (1 of 4 stars). 2 submissions from 2 submitters: Uncertain significance (1); Likely benign (1). Last evaluated 2026-04-14.

Conditions:
C syndrome. Also called: OPITZ TRIGONOCEPHALY SYNDROME; TRIGONOCEPHALY SYNDROME. Identifiers: Orphanet 1308, MedGen C0796095, MONDO:0008893, OMIM 211750.

gnomAD v4.1: 1 of 1,608,714 alleles (0.000062%); highest among the groups gnomAD compares: Non-Finnish European, 0.000085%; no homozygotes.

Submissions (2):

Centre for Medical Genetics,  Mumbai
Classification: Likely benign for C syndrome. Last evaluated: 2026-04-14. Review status: criteria provided, single submitter. Criteria: ACMG Guidelines, 2015. Collection method: provider interpretation. Allele origin: germline. Inheritance: Autosomal dominant inheritance. Affected: no. Observed: 1 variant allele, 1 heterozygote.
Comment: The variant satisfies PM2 criteria - extremely low frequency in gnomAD population databases. However, the variant satisfies BS2 criteria - present in heterozygous state in an individual that clinically does not have C syndrome.

Ambry Genetics
Classification: Uncertain significance. Last evaluated: 2022-06-29. Review status: criteria provided, single submitter. Criteria: Ambry Variant Classification Scheme 2023. Collection method: clinical testing. Allele origin: germline.

Literature cited by the submitters: PubMed 16835930 (cited by Centre for Medical Genetics,  Mumbai).

NM_005816.5(CD96):c.484C>T (p.Pro162Ser)

Gene: CD96 (CD96 molecule; plus strand). Cytogenetic location: 3q13.13.
Variant type: single nucleotide variant.
Coding change: c.484C>T on transcript NM_005816.5 (MANE Select); coding-DNA position 484, C replaced by T.
Protein change: p.Pro162Ser; replaces proline 162 with serine.
Molecular consequence: missense variant. On other transcripts: non-coding transcript variant (1).
Genome position (GRCh38, 1-based): chr3:111,567,588, C>T. VCF-style: chr3-111567588-C-T. GRCh37 (hg19) VCF-style: chr3-111286435-C-T.
Other names: c.484C>T, p.Pro162Ser (NM_001318889.2, NM_001410800.1, NM_198196.3); short protein forms P162S.
Identifiers: ClinVar variation 2298818 (VCV002298818.3), dbSNP rs371659001, ClinGen allele CA353956881.